The following is an entry in ClinVar:

NM_000352.6(ABCC8):c.854G>A (p.Arg285Gln)

Gene: ABCC8 (ATP binding cassette subfamily C member 8; minus strand). Cytogenetic location: 11p15.1.
Variant type: single nucleotide variant.
Coding change: c.854G>A on transcript NM_000352.6 (MANE Select); coding-DNA position 854, G replaced by A.
Protein change: p.Arg285Gln; replaces arginine 285 with glutamine.
Molecular consequence: missense variant. On other transcripts: non-coding transcript variant (1).
Genome position (GRCh38, 1-based): chr11:17,460,645, C>T on the plus strand (G>A on the coding strand, the complement: ABCC8 is on the minus strand). VCF-style: chr11-17460645-C-T. GRCh37 (hg19) VCF-style: chr11-17482192-C-T.
Other names: c.854G>A (NM_000352.3); c.854G>A, p.Arg285Gln (NM_001287174.3, NM_001351295.2); c.851G>A, p.Arg284Gln (NM_001351296.2, NM_001351297.2); short protein forms R284Q, R285Q.
Identifiers: ClinVar variation 2355174 (VCV002355174.17), dbSNP rs199616008, ClinGen allele CA5903740.

ClinVar aggregate classification (germline): Conflicting classifications of pathogenicity. Review status: criteria provided, conflicting classifications (1 of 4 stars). 5 submissions from 5 submitters: Uncertain significance (4); Likely benign (1). Last evaluated 2026-03-03.

Conditions:
Pulmonary arterial hypertension. Identifiers: Orphanet 182090, MedGen C2973725, MeSH D000081029, MONDO:0015924, HP:0002092.
Inborn genetic diseases. Identifiers: MedGen C0950123, MeSH D030342.

Allele frequency attached by ClinVar (database versions not stated): gnomAD 0.00011; TOPMed 0.00012; ExAC 0.00013; ESP Exome Variant Server 0.00023.

Submissions (5):

Women's Health and Genetics/Laboratory Corporation of America, LabCorp
Classification: Uncertain significance. Last evaluated: 2026-03-03. Review status: criteria provided, single submitter. Criteria: LabCorp Variant Classification Summary - May 2015. Collection method: clinical testing. Allele origin: germline.
Comment: Variant summary: ABCC8 c.854G>A (p.Arg285Gln) results in a conservative amino acid change in the encoded protein sequence. Algorithms developed to predict the effect of missense changes on protein structure and function all suggest that this variant is likely to be tolerated. The variant allele was found at a frequency of 0.00013 in 247718 control chromosomes (gnomAD). This frequency is not significantly higher than estimated for disease-causing variants in ABCC8, allowing no conclusion about variant significance. c.854G>A has been observed in an individual(s) affected with Neonatal Diabetes Mellitus without strong evidence of causality (Stoy_2008). These report(s) do not provide unequivocal conclusions about association of the variant with Congenital Hyperinsulinism. To our knowledge, no experimental evidence demonstrating an impact on protein function has been reported. The following publication has been ascertained in the context of this evaluation (PMID: 18662362). ClinVar contains an entry for this variant (Variation ID: 2355174). Based on the evidence outlined above, the variant was classified as uncertain significance.

Ambry Genetics
Classification: Uncertain significance for Inborn genetic diseases. Last evaluated: 2026-01-22. Review status: criteria provided, single submitter. Criteria: Ambry Variant Classification Scheme 2023. Collection method: clinical testing. Allele origin: germline.
Comment: The c.854G>A (p.R285Q) alteration is located in coding exon 6 of the ABCC8 gene. This alteration results from a G to A substitution at nucleotide position 854, causing the arginine (R) at amino acid position 285 to be replaced by a glutamine (Q). Based on data from the Genome Aggregation Database (gnomAD) database, the ABCC8 c.854G>A alteration was observed in 0.01% (33/279110) of total alleles studied, with a frequency of 0.02% (7/30614) in the South Asian subpopulation. The mother and father both have a history of type 2 diabetes, and this variant was determined to be paternally inherited (St&oslash;y, 2008). This amino acid position is not well conserved in available vertebrate species. The p.R285Q alteration is predicted to be tolerated by in silico analysis. Based on insufficient or conflicting evidence, the clinical significance of this alteration remains unclear.

Labcorp Genetics (formerly Invitae), Labcorp
Classification: Likely benign. Last evaluated: 2025-12-23. Review status: criteria provided, single submitter. Criteria: Invitae Variant Classification Sherloc (09022015). Collection method: clinical testing. Allele origin: germline.

CeGaT Center for Human Genetics Tuebingen
Classification: Uncertain significance. Last evaluated: 2025-03-01. Review status: criteria provided, single submitter. Criteria: CeGaT Center For Human Genetics Tuebingen Variant Classification Criteria Version 2. Collection method: clinical testing. Allele origin: germline. Affected: yes. Observed: 1 variant allele.
Comment: ABCC8: PS4:Moderate, PM2:Supporting

Department of Pathology and Laboratory Medicine, Sinai Health System
Classification: Uncertain significance for pulmonary arterial hypertension. Last evaluated: 2022-04-20. Review status: criteria provided, single submitter. Criteria: ACMG Guidelines, 2015. Collection method: research. Allele origin: germline.

Literature cited by the submitters: PubMed 18662362 (cited by Women's Health and Genetics/Laboratory Corporation of America, LabCorp and Ambry Genetics).